The following is an entry in ClinVar:

NM_002691.4(POLD1):c.682del (p.Glu228fs)

Gene: POLD1 (DNA polymerase delta 1, catalytic subunit; plus strand). Cytogenetic location: 19q13.33.
Variant type: Deletion.
Coding change: c.682del on transcript NM_002691.4 (MANE Select); coding-DNA position 682, one base deleted (G; older notation c.682delG).
Protein change: p.Glu228fs; shifts the reading frame from glutamic acid 228.
Molecular consequence: frameshift variant. On other transcripts: non-coding transcript variant (1).
Genome position (GRCh38, 1-based): chr19:50,402,297, G deleted; the last of 2 consecutive G bases (chr19:50,402,296-50,402,297); deleting either gives the same sequence. VCF-style (leftmost placement, unchanged base first): chr19-50402295-TG-T. GRCh37 (hg19) VCF-style: chr19-50905552-TG-T.
Other names: c.682del, p.Glu228fs (NM_001256849.1, NM_001308632.1); short protein forms E228fs.
Identifiers: ClinVar variation 3781387 (VCV003781387.1).

ClinVar aggregate classification (germline): Uncertain significance (1 of 4 stars; one submission).

Conditions:
Hereditary cancer-predisposing syndrome. Also called: Neoplastic Syndromes, Hereditary; Hereditary Cancer Syndrome; Tumor predisposition; Hereditary neoplastic syndrome. Identifiers: Orphanet 140162, MedGen C0027672, MeSH D009386, MONDO:0015356.

Submission:

Ambry Genetics
Classification: Uncertain significance for Hereditary cancer-predisposing syndrome. Last evaluated: 2025-01-24. Review status: criteria provided, single submitter. Criteria: Ambry Variant Classification Scheme 2023. Collection method: clinical testing. Allele origin: germline.
Comment: The c.682delG variant, located in coding exon 5 of the POLD1 gene, results from a deletion of one nucleotide at nucleotide position 682, causing a translational frameshift with a predicted alternate stop codon (p.E228Nfs*48). This alteration is expected to result in loss of function by premature protein truncation or nonsense-mediated mRNA decay. However, loss of function of POLD1 has not been established as a mechanism of disease. Based on the available evidence, the clinical significance of this alteration remains unclear.